The following is an entry in ClinVar:

ClinVar aggregate classification (germline): Uncertain significance (1 of 4 stars; one submission).

Submission:

GeneDx
Classification: Uncertain significance. Last evaluated: 2025-03-08. Review status: criteria provided, single submitter. Criteria: GeneDx Variant Classification Process June 2021. Collection method: clinical testing. Allele origin: germline.
Comment: Not observed at significant frequency in large population cohorts (gnomAD); Nonsense variant predicted to result in protein truncation or nonsense mediated decay in a gene or region of a gene for which loss of function is not a well-established mechanism of disease; Has not been previously published as pathogenic or benign to our knowledge

NM_001042475.3(CEP85L):c.1489G>T (p.Glu497Ter)

Gene: CEP85L (centrosomal protein 85L; minus strand). Cytogenetic location: 6q22.31.
Variant type: single nucleotide variant.
Coding change: c.1489G>T on transcript NM_001042475.3 (MANE Select); coding-DNA position 1489, G replaced by T.
Protein change: p.Glu497Ter; replaces glutamic acid 497 with a stop codon.
Molecular consequence: nonsense.
Genome position (GRCh38, 1-based): chr6:118,483,807, C>A on the plus strand (G>T on the coding strand, the complement: CEP85L is on the minus strand). VCF-style: chr6-118483807-C-A. GRCh37 (hg19) VCF-style: chr6-118804970-C-A.
Other names: c.1498G>T, p.Glu500Ter (NM_001178035.2); short protein forms E497*, E500*.
Identifiers: ClinVar variation 2662008 (VCV002662008.2), dbSNP rs2533856224, ClinGen allele CA365543576.